The following is an entry in ClinVar:

NM_004960.4(FUS):c.482A>G (p.Tyr161Cys)

Gene: FUS (FUS RNA binding protein; plus strand). Cytogenetic location: 16p11.2.
Variant type: single nucleotide variant.
Coding change: c.482A>G on transcript NM_004960.4 (MANE Select); coding-DNA position 482, A replaced by G.
Protein change: p.Tyr161Cys; replaces tyrosine 161 with cysteine.
Molecular consequence: missense variant. On other transcripts: non-coding transcript variant (1).
Genome position (GRCh38, 1-based): chr16:31,184,355, A>G. VCF-style: chr16-31184355-A-G. GRCh37 (hg19) VCF-style: chr16-31195676-A-G.
Other names: c.479A>G, p.Tyr160Cys (NM_001170634.1); c.482A>G, p.Tyr161Cys (NM_001170937.1); short protein forms Y160C, Y161C.
Identifiers: ClinVar variation 5017470 (VCV005017470.1).

ClinVar aggregate classification (germline): Uncertain significance (1 of 4 stars; one submission).

Submission:

GeneDx
Classification: Uncertain significance. Last evaluated: 2026-03-25. Review status: criteria provided, single submitter. Criteria: GeneDx Variant Classification Process June 2021. Collection method: clinical testing. Allele origin: germline.
Comment: Not observed at significant frequency in large population cohorts (gnomAD); In silico analysis supports that this missense variant has a deleterious effect on protein structure/function; Has not been previously published as pathogenic or benign to our knowledge